The following is an entry in ClinVar:

NM_000414.4(HSD17B4):c.56C>G (p.Ala19Gly)

Genes: HSD17B4 (hydroxysteroid 17-beta dehydrogenase 4; plus strand), LOC129994460 (ATAC-STARR-seq lymphoblastoid active region 22989; plus strand). Cytogenetic location: 5q23.1.
Variant type: single nucleotide variant.
Coding change: c.56C>G on transcript NM_000414.4 (MANE Select); coding-DNA position 56, C replaced by G.
Protein change: p.Ala19Gly; replaces alanine 19 with glycine.
Molecular consequence: missense variant. On other transcripts: 5 prime UTR variant (8), non-coding transcript variant (2).
Genome position (GRCh38, 1-based): chr5:119,452,631, C>G. VCF-style: chr5-119452631-C-G. GRCh37 (hg19) VCF-style: chr5-118788326-C-G.
Other names: c.-123C>G (NM_001199291.3); c.56C>G, p.Ala19Gly (NM_001199292.2, NM_001374497.1, NM_001374498.1); c.-82C>G (NM_001292027.2); c.-544C>G (NM_001292028.2, NM_001374501.1); c.-478C>G (NM_001374499.1); c.-671C>G (NM_001374500.1); c.-549C>G (NM_001374502.1); c.-614C>G (NM_001374503.1); short protein forms A19G.
Identifiers: ClinVar variation 227431 (VCV000227431.5), dbSNP rs148363262, ClinGen allele CA501230.

ClinVar aggregate classification (germline): Likely benign. Review status: criteria provided, multiple submitters, no conflicts (2 of 4 stars). 2 submissions from 2 submitters: Likely benign (2). Last evaluated 2024-03-04.

Conditions:
Inborn genetic diseases. Identifiers: MedGen C0950123, MeSH D030342.

Allele frequency attached by ClinVar (database versions not stated): gnomAD exomes 0.00001; ExAC 0.00002; TOPMed 0.00002; ESP Exome Variant Server 0.00008.
gnomAD v4.1: 7 of 1,613,756 alleles (0.00043%); highest among the groups gnomAD compares: African/African-American, 0.0067%; no homozygotes.

Submissions (2):

Ambry Genetics
Classification: Likely benign for Inborn genetic diseases. Last evaluated: 2024-03-04. Review status: criteria provided, single submitter. Criteria: Ambry Variant Classification Scheme 2023. Collection method: clinical testing. Allele origin: germline.

Laboratory for Molecular Medicine, Mass General Brigham Personalized Medicine
Classification: Likely benign. Last evaluated: 2015-07-30. Review status: criteria provided, single submitter. Criteria: LMM Criteria. Collection method: clinical testing. Allele origin: germline. Observed: 1 variant allele.
Comment: p.Ala19Gly in exon 1A of HSD17B4: This variant is not expected to have clinical significance due to a lack of conservation across species, including mammals. Of note, >20 mammals have a Gly at this position despite high nearby amino acid co nservation. In addition, computational prediction tools do not suggest a high li kelihood of impact to the protein. This variant has also been identified in 3/10 294 of African chromosomes by the Exome Aggregation Consortium (ExAC; dbSNP rs148363262).